The following is an entry in ClinVar:

NM_001040142.2(SCN2A):c.83G>A (p.Arg28His)

Gene: SCN2A (sodium voltage-gated channel alpha subunit 2; plus strand). Cytogenetic location: 2q24.3.
Variant type: single nucleotide variant.
Coding change: c.83G>A on transcript NM_001040142.2 (MANE Select); coding-DNA position 83, G replaced by A.
Protein change: p.Arg28His; replaces arginine 28 with histidine.
Molecular consequence: missense variant.
Genome position (GRCh38, 1-based): chr2:165,295,906, G>A. VCF-style: chr2-165295906-G-A. GRCh37 (hg19) VCF-style: chr2-166152416-G-A.
Other names: c.83G>A, p.Arg28His (NM_001040143.2, NM_001371246.1, NM_001371247.1 and 1 more transcripts); c.83G>A (NM_021007.2); short protein forms R28H.
Identifiers: ClinVar variation 1878591 (VCV001878591.7), dbSNP rs1007052146, ClinGen allele CA59719605.
Genomic context (GRCh38, chr2:165,295,906, plus strand): 5'-CGCCAGGACCTGACAGCTTCCGCTTCTTTACCAGGGAATCCCTTGCTGCTATTGAACAAC[G>A]CATTGCAGAAGAGAAAGCTAAGAGACCCAAACAGGAACGCAAGGATGAGGATGATGAAAA-3'
Protein context (NP_001035232.1, residues 18-38): TRESLAAIEQ[Arg28His]IAEEKAKRPK

ClinVar aggregate classification (germline): Conflicting classifications of pathogenicity. Review status: criteria provided, conflicting classifications (1 of 4 stars). 3 submissions from 3 submitters: Likely pathogenic (1); Uncertain significance (2). Last evaluated 2026-03-11.

Conditions:
Developmental and epileptic encephalopathy, 11 (DEE11). Also called: Early infantile epileptic encephalopathy 11. Identifiers: Orphanet 1934, MedGen C3150987, MONDO:0013388, OMIM 613721.
Seizures, benign familial infantile, 3 (BFIS3). Also called: CONVULSIONS, BENIGN FAMILIAL INFANTILE, 3; Familial neonatal seizures. Identifiers: Orphanet 140927, Orphanet 306, MedGen C1843140, MONDO:0011904, OMIM 607745.

Allele frequency attached by ClinVar (database versions not stated): TOPMed below 0.00001; gnomAD 0.00001.
gnomAD v4.1: 14 of 1,613,922 alleles (0.00087%); highest among the groups gnomAD compares: South Asian, 0.0044%; no homozygotes.

Submissions (3):

GeneDx
Classification: Uncertain significance. Last evaluated: 2026-03-11. Review status: criteria provided, single submitter. Criteria: GeneDx Variant Classification Process June 2021. Collection method: clinical testing. Allele origin: germline.
Comment: Identified in a patient with seizures and delayed speech and language development; however, further segregation testing was not completed (PMID: 36801247); In silico analysis supports that this missense variant has a deleterious effect on protein structure/function; This substitution is predicted to be within the N-terminal cytoplasmic domain; This variant is associated with the following publications: (PMID: 36801247)

Labcorp Genetics (formerly Invitae), Labcorp
Classification: Likely pathogenic for Seizures, benign familial infantile, 3; Developmental and epileptic encephalopathy, 11. Last evaluated: 2022-11-28. Review status: criteria provided, single submitter. Criteria: Invitae Variant Classification Sherloc (09022015). Collection method: clinical testing. Allele origin: germline.
Comment: This sequence change replaces arginine, which is basic and polar, with histidine, which is basic and polar, at codon 28 of the SCN2A protein (p.Arg28His). This variant is present in population databases (no rsID available, gnomAD 0.007%). This missense change has been observed in individuals with clinical features of SCN2A-related conditions (Invitae). Advanced modeling of protein sequence and biophysical properties (such as structural, functional, and spatial information, amino acid conservation, physicochemical variation, residue mobility, and thermodynamic stability) performed at Invitae indicates that this missense variant is expected to disrupt SCN2A protein function. In summary, the currently available evidence indicates that the variant is pathogenic, but additional data are needed to prove that conclusively. Therefore, this variant has been classified as Likely Pathogenic.

Neuberg Centre For Genomic Medicine, NCGM
Classification: Uncertain significance for Seizures, benign familial infantile, 3. Review status: criteria provided, single submitter. Criteria: ACMG Guidelines, 2015. Collection method: clinical testing. Allele origin: germline. Affected: yes.
Comment: The missense variant c.83G>A(p.Arg28His) in SCN2A gene has not been reported previously as a pathogenic variant nor as a benign variant, to our knowledge. The p.Arg28His variant is novel (not in any individuals) in 1000 Genomes and allele frequency of 0.00002391 is reported in gnomAD. The amino acid Arg at position 28 is changed to a His changing protein sequence and it might alter its composition and physico-chemical properties. The variant is predicted to be damaging by both SIFT and PolyPhen2. The residue is conserved across species. The amino acid change p.Arg28His in SCN2A is predicted as conserved by GERP++ and PhyloP across 100 vertebrates. For these reasons, this variant has been classified as Uncertain Significance .